The following is an entry in ClinVar:

ClinVar aggregate classification (germline): Conflicting classifications of pathogenicity. Review status: criteria provided, conflicting classifications (1 of 4 stars). 9 submissions from 9 submitters: Uncertain significance (7); Likely benign (2). Last evaluated 2025-10-14.

Conditions:
Familial thoracic aortic aneurysm and aortic dissection (TAAD). Also called: Thoracic aortic aneurysms and dissections. Identifiers: Orphanet 91387, MedGen C4707243, MONDO:0019625.
Marfan syndrome (MFS). Also called: Marfan syndrome type 1; Marfan's syndrome; Marfan syndrome, classic; MARFAN SYNDROME, TYPE I; FBN1-Related Marfan Syndrome. Identifiers: Orphanet 284963, Orphanet 558, MedGen C0024796, MONDO:0007947, OMIM 154700.
Arachnodactyly. Identifiers: MedGen C0003706, HP:0001166.
Aortic regurgitation. Also called: Aortic valve insufficiency. Identifiers: MedGen C0003504, MONDO:0005648, HP:0001659.
Dolichocephaly. Identifiers: MedGen C0221358, HP:0000268.
High, narrow palate. Identifiers: MedGen C1837404, HP:0002705.
Joint hypermobility. Also called: Joint hyperflexibility. Identifiers: MedGen C1862377, HP:0001382.
Dental crowding. Identifiers: MedGen C0040433, HP:0000678.

Allele frequency attached by ClinVar (database versions not stated): TOPMed below 0.00001; ExAC 0.00001; gnomAD exomes 0.00001 and 0.00002; gnomAD 0.00003.
gnomAD v4.1: 34 of 1,613,834 alleles (0.0021%); highest among the groups gnomAD compares: Non-Finnish European, 0.0027%; no homozygotes.

Submissions (9):

Labcorp Genetics (formerly Invitae), Labcorp
Classification: Likely benign for Marfan syndrome; Familial thoracic aortic aneurysm and aortic dissection. Last evaluated: 2025-10-14. Review status: criteria provided, single submitter. Criteria: Invitae Variant Classification Sherloc (09022015). Collection method: clinical testing. Allele origin: germline.

GeneDx
Classification: Uncertain significance. Last evaluated: 2025-08-19. Review status: criteria provided, single submitter. Criteria: GeneDx Variant Classification Process June 2021. Collection method: clinical testing. Allele origin: germline. Affected: yes.
Comment: Has not been previously published as pathogenic or benign in association with FBN1-related disorders to our knowledge; Not observed at significant frequency in large population cohorts (gnomAD); In silico analysis supports that this missense variant has a deleterious effect on protein structure/function; Does not affect a cysteine or calcium-binding residue within an EGF-like domain or a TGF-binding protein domain of the FBN1 gene; cysteine substitutions in the EGF-like domains represent the majority of pathogenic missense changes associated with FBN1-related disorders (PMID: 12938084); This variant is associated with the following publications: (PMID: 28054583, 12938084)

Color Diagnostics, LLC DBA Color Health
Classification: Uncertain significance for Familial thoracic aortic aneurysm and aortic dissection. Last evaluated: 2025-06-11. Review status: criteria provided, single submitter. Criteria: ACMG Guidelines, 2015. Collection method: clinical testing. Allele origin: germline.
Comment: This missense variant replaces glycine with serine at codon 47 of the FBN1 protein. Computational prediction suggests that this variant may not impact protein structure and function. To our knowledge, functional studies have not been reported for this variant. This variant has not been reported in individuals affected with FBN1-related disorders in the literature. This variant has been identified in 5/282778 chromosomes in the general population by the Genome Aggregation Database (gnomAD). The available evidence is insufficient to determine the role of this variant in disease conclusively. Therefore, this variant is classified as a Variant of Uncertain Significance.

Ambry Genetics
Classification: Uncertain significance for Familial thoracic aortic aneurysm and aortic dissection. Last evaluated: 2024-06-06. Review status: criteria provided, single submitter. Criteria: Ambry Variant Classification Scheme 2023. Collection method: clinical testing. Allele origin: germline.
Comment: The p.G47S variant (also known as c.139G>A), located in coding exon 1 of the FBN1 gene, results from a G to A substitution at nucleotide position 139. The glycine at codon 47 is replaced by serine, an amino acid with similar properties. This amino acid position is highly conserved in available vertebrate species. In addition, the in silico prediction for this alteration is inconclusive. Based on the available evidence, the clinical significance of this variant remains unclear.

All of Us Research Program, National Institutes of Health
Classification: Uncertain significance for Marfan syndrome. Last evaluated: 2024-02-05. Review status: criteria provided, single submitter. Criteria: ACMG Guidelines, 2015. Collection method: clinical testing. Allele origin: germline. Inheritance: Autosomal dominant inheritance. Observed: 6 variant alleles, 6 heterozygotes.
Comment: This missense variant replaces glycine with serine at codon 47 of the FBN1 protein. Computational prediction suggests that this variant may not impact protein structure and function (internally defined REVEL score threshold <= 0.5, PMID: 27666373). To our knowledge, functional studies have not been reported for this variant. This variant has not been reported in individuals affected with cardiovascular disorders in the literature. This variant has been identified in 5/282778 chromosomes in the general population by the Genome Aggregation Database (gnomAD). The available evidence is insufficient to determine the role of this variant in disease conclusively. Therefore, this variant is classified as a Variant of Uncertain Significance.

This study involves interpretation of variants in research participants for the purpose of population health screening. Participant phenotype was not available at the time of variant classification. Additional details can be found in publication PMID: 35346344, PMCID: PMC8962531

CeGaT Center for Human Genetics Tuebingen
Classification: Likely benign. Last evaluated: 2022-04-01. Review status: criteria provided, single submitter. Criteria: CeGaT Center For Human Genetics Tuebingen Variant Classification Criteria Version 2. Collection method: clinical testing. Allele origin: germline. Affected: yes. Observed: 1 variant allele.
Comment: FBN1: PP2, BS2

CHEO Genetics Diagnostic Laboratory, Children's Hospital of Eastern Ontario
Classification: Uncertain significance for Familial thoracic aortic aneurysm and aortic dissection. Last evaluated: 2018-04-20. Review status: criteria provided, single submitter. Criteria: ACMG Guidelines, 2015. Collection method: clinical testing. Allele origin: germline.

Eurofins Ntd Llc (ga)
Classification: Uncertain significance. Last evaluated: 2016-07-07. Review status: criteria provided, single submitter. Criteria: EGL Classification Definitions 2015. Collection method: clinical testing. Allele origin: germline. Observed: 1 variant allele, 1 heterozygote.

Centre for Mendelian Genomics, University Medical Centre Ljubljana
Classification: Uncertain significance for Aortic regurgitation; Arachnodactyly; Dental crowding; Dolichocephaly; High, narrow palate; Joint hypermobility. Last evaluated: 2015-10-20. Review status: criteria provided, single submitter. Criteria: ACMG Guidelines, 2015. Collection method: clinical testing. Allele origin: unknown. Affected: yes.

NM_000138.5(FBN1):c.139G>A (p.Gly47Ser)

Gene: FBN1 (fibrillin 1; minus strand). Cytogenetic location: 15q21.1.
Variant type: single nucleotide variant.
Coding change: c.139G>A on transcript NM_000138.5 (MANE Select); coding-DNA position 139, G replaced by A.
Protein change: p.Gly47Ser; replaces glycine 47 with serine.
Molecular consequence: missense variant.
Genome position (GRCh38, 1-based): chr15:48,644,631, C>T on the plus strand (G>A on the coding strand, the complement: FBN1 is on the minus strand). VCF-style: chr15-48644631-C-T. GRCh37 (hg19) VCF-style: chr15-48936828-C-T.
Other names: p.G47S:GGT>AGT; short protein forms G47S.
Identifiers: ClinVar variation 200029 (VCV000200029.51), dbSNP rs762400500, ClinGen allele CA012118.